The following is an entry in ClinVar:

ClinVar aggregate classification (germline): Likely benign. Review status: criteria provided, single submitter (1 of 4 stars). 2 submissions from 2 submitters: Likely benign (1). 1 of the submissions does not count toward it. Last evaluated 2025-08-11.

Conditions:
Spermatogenic failure 18. Identifiers: MedGen C4539783, MONDO:0054615, OMIM 617576.
Ciliary dyskinesia, primary, 37 (CILD37). Also called: CILIARY DYSKINESIA, PRIMARY, 37, WITH OR WITHOUT SITUS INVERSUS. Identifiers: MedGen C4539798, MONDO:0033204, OMIM 617577.
DNAH1-related disorder. Also called: DNAH1-related condition.

Allele frequency attached by ClinVar (database versions not stated): gnomAD exomes 0.00033 and 0.00019; ExAC 0.00052; 1000 Genomes Project 0.00160; ESP Exome Variant Server 0.00008; 1000 Genomes Project 30x 0.00141.
gnomAD v4.1: 319 of 1,610,658 alleles (0.02%); highest among the groups gnomAD compares: South Asian, 0.28%; 6 homozygotes.

Submissions (2):

Labcorp Genetics (formerly Invitae), Labcorp
Classification: Likely benign for Ciliary dyskinesia, primary, 37; Spermatogenic failure 18. Last evaluated: 2025-08-11. Review status: criteria provided, single submitter. Criteria: Invitae Variant Classification Sherloc (09022015). Collection method: clinical testing. Allele origin: germline.

PreventionGenetics, part of Exact Sciences
Classification: Likely benign for DNAH1-related condition. Last evaluated: 2024-06-25. Review status: no assertion criteria provided. Collection method: clinical testing. Allele origin: germline. Not counted in ClinVar's aggregate classification.
Comment: This variant is classified as likely benign based on ACMG/AMP sequence variant interpretation guidelines (Richards et al. 2015 PMID: 25741868, with internal and published modifications).

NM_015512.5(DNAH1):c.2543G>A (p.Arg848His)

Gene: DNAH1 (dynein axonemal heavy chain 1; plus strand). Cytogenetic location: 3p21.1.
Variant type: single nucleotide variant.
Coding change: c.2543G>A on transcript NM_015512.5 (MANE Select); coding-DNA position 2543, G replaced by A.
Protein change: p.Arg848His; replaces arginine 848 with histidine.
Molecular consequence: missense variant.
Genome position (GRCh38, 1-based): chr3:52,350,005, G>A. VCF-style: chr3-52350005-G-A. GRCh37 (hg19) VCF-style: chr3-52384021-G-A.
Other names: c.2543G>A (NM_015512.4); short protein forms R848H.
Identifiers: ClinVar variation 1587499 (VCV001587499.9), dbSNP rs376029297, ClinGen allele CA2433297.
Genomic context (GRCh38, chr3:52,350,005, plus strand): 5'-GGGAGCAGCATGCTGCCCTCCCCAGCGCCTCCTCCCACTGCCAGATCTGCGAGGAGTTCC[G>A]CAGCATCAGCCGCAAGATCTATGAGAAGCCCAACAGCATTGAGGAGCTGGCTGAGCTGCG-3'
Protein context (NP_056327.4, residues 838-858): KEVDSICEEF[Arg848His]SISRKIYEKP